The following is an entry in ClinVar:

NM_080680.3(COL11A2):c.2477G>C (p.Gly826Ala)

Gene: COL11A2 (collagen type XI alpha 2 chain; minus strand). Cytogenetic location: 6p21.32.
Variant type: single nucleotide variant.
Coding change: c.2477G>C on transcript NM_080680.3 (MANE Select); coding-DNA position 2477, G replaced by C.
Protein change: p.Gly826Ala; replaces glycine 826 with alanine.
Molecular consequence: missense variant.
Genome position (GRCh38, 1-based): chr6:33,174,172, C>G on the plus strand (G>C on the coding strand, the complement: COL11A2 is on the minus strand). VCF-style: chr6-33174172-C-G. GRCh37 (hg19) VCF-style: chr6-33141949-C-G.
Other names: c.2156G>C, p.Gly719Ala (NM_080679.3); c.2219G>C, p.Gly740Ala (NM_080681.3); short protein forms G740A, G719A, G826A.
Identifiers: ClinVar variation 905654 (VCV000905654.5), dbSNP rs767536947, ClinGen allele CA3750896.

ClinVar aggregate classification (germline): Uncertain significance. Review status: criteria provided, multiple submitters, no conflicts (2 of 4 stars). 4 submissions from 2 submitters: Uncertain significance (4). Last evaluated 2025-12-19.

Conditions:
Fibrochondrogenesis 2 (FBCG2). Identifiers: Orphanet 2021, MedGen C3281128, MONDO:0013795, OMIM 614524.
Otospondylomegaepiphyseal dysplasia, autosomal recessive (OSMEDB). Also called: CHONDRODYSTROPHY WITH SENSORINEURAL DEAFNESS; Insley-Astley syndrome. Identifiers: Orphanet 1427, MedGen CN034493, MONDO:0044206, OMIM 215150.
Otospondylomegaepiphyseal dysplasia, autosomal dominant (OSMEDA). Also called: COL11A2-Related Stickler Syndrome; Stickler syndrome, type 3; Pierre Robin syndrome with fetal chondrodysplasia. Identifiers: Orphanet 166100, Orphanet 3450, MedGen C1848488, MONDO:0008490, OMIM 184840.

Allele frequency attached by ClinVar (database versions not stated): TOPMed below 0.00001; ExAC 0.00002; gnomAD exomes 0.00002.
gnomAD v4.1: 26 of 1,585,448 alleles (0.0016%); highest among the groups gnomAD compares: Non-Finnish European, 0.002%; 1 homozygote.

Submissions (4):

Labcorp Genetics (formerly Invitae), Labcorp
Classification: Uncertain significance. Last evaluated: 2025-12-19. Review status: criteria provided, single submitter. Criteria: Invitae Variant Classification Sherloc (09022015). Collection method: clinical testing. Allele origin: germline.
Comment: This sequence change replaces glycine, which is neutral and non-polar, with alanine, which is neutral and non-polar, at codon 826 of the COL11A2 protein (p.Gly826Ala). This variant is present in population databases (rs767536947, gnomAD 0.001%). This variant has not been reported in the literature in individuals affected with COL11A2-related conditions. ClinVar contains an entry for this variant (Variation ID: 905654). Invitae Evidence Modeling of protein sequence and biophysical properties (such as structural, functional, and spatial information, amino acid conservation, physicochemical variation, residue mobility, and thermodynamic stability) indicates that this missense variant is expected to disrupt COL11A2 protein function with a positive predictive value of 95%. In summary, the available evidence is currently insufficient to determine the role of this variant in disease. Therefore, it has been classified as a Variant of Uncertain Significance.

Illumina Laboratory Services, Illumina
Classification: Uncertain significance for Fibrochondrogenesis 2. Last evaluated: 2018-01-12. Review status: criteria provided, single submitter. Criteria: ICSL Variant Classification Criteria 13 December 2019. Collection method: clinical testing. Allele origin: germline.

Illumina Laboratory Services, Illumina
Classification: Uncertain significance for Otospondylomegaepiphyseal dysplasia, autosomal dominant. Last evaluated: 2018-01-12. Review status: criteria provided, single submitter. Criteria: ICSL Variant Classification Criteria 13 December 2019. Collection method: clinical testing. Allele origin: germline.

Illumina Laboratory Services, Illumina
Classification: Uncertain significance for Otospondylomegaepiphyseal dysplasia, autosomal recessive. Last evaluated: 2018-01-12. Review status: criteria provided, single submitter. Criteria: ICSL Variant Classification Criteria 13 December 2019. Collection method: clinical testing. Allele origin: germline.